The following is an entry in ClinVar:

ClinVar aggregate classification (germline): Benign. Review status: criteria provided, multiple submitters, no conflicts (2 of 4 stars). 5 submissions from 5 submitters: Benign (5). Last evaluated 2026-02-02.

Conditions:
Myopathy with tubular aggregates (TAM). Also called: Tubular Aggregate Myopathy. Identifiers: Orphanet 2593, MedGen C0410207, MONDO:0008051.
Stormorken syndrome (STRMK). Also called: THROMBOCYTOPATHY, ASPLENIA, AND MIOSIS. Identifiers: Orphanet 3204, MedGen C1861451, MONDO:0008497, OMIM 185070.
Combined immunodeficiency due to STIM1 deficiency. Also called: IMMUNODEFICIENCY 10; STIM1 DEFICIENCY. Identifiers: Orphanet 169090, Orphanet 317430, MedGen C2748557, MONDO:0013008, OMIM 612783.

Allele frequency attached by ClinVar (database versions not stated): gnomAD exomes 0.01406 and 0.00722; ExAC 0.01647; gnomAD 0.04642 and 0.05004; TOPMed 0.05243; 1000 Genomes Project 30x 0.05169; ESP Exome Variant Server 0.05332; 1000 Genomes Project 0.04752.
gnomAD v4.1: 17,960 of 1,613,658 alleles (1.1%); highest among the groups gnomAD compares: African/African-American, 16%; 1,031 homozygotes.

Submissions (5):

Labcorp Genetics (formerly Invitae), Labcorp
Classification: Benign for Myopathy with tubular aggregates; Combined immunodeficiency due to STIM1 deficiency; Stormorken syndrome. Last evaluated: 2026-02-02. Review status: criteria provided, single submitter. Criteria: Invitae Variant Classification Sherloc (09022015). Collection method: clinical testing. Allele origin: germline.

Mayo Clinic Laboratories, Mayo Clinic
Classification: Benign. Last evaluated: 2023-07-23. Review status: criteria provided, single submitter. Criteria: ACMG Guidelines, 2015. Collection method: clinical testing. Allele origin: germline. Observed: 164 variant alleles.

GeneDx
Classification: Benign. Last evaluated: 2016-05-11. Review status: criteria provided, single submitter. Criteria: GeneDx Variant Classification (06012015). Collection method: clinical testing. Allele origin: germline. Affected: yes.
Comment: This variant is considered likely benign or benign based on one or more of the following criteria: it is a conservative change, it occurs at a poorly conserved position in the protein, it is predicted to be benign by multiple in silico algorithms, and/or has population frequency not consistent with disease.

Breakthrough Genomics
Classification: Benign. Review status: criteria provided, single submitter. Criteria: ACMG Guidelines, 2015. Collection method: not provided. Allele origin: germline. Inheritance: Autosomal recessive inheritance. Affected: yes.

PreventionGenetics, part of Exact Sciences
Classification: Benign. Review status: criteria provided, single submitter. Criteria: ACMG Guidelines, 2015. Collection method: clinical testing. Allele origin: germline.

NM_001382567.1(STIM1):c.1138-9T>C

Gene: STIM1 (stromal interaction molecule 1; plus strand). Cytogenetic location: 11p15.4.
Variant type: single nucleotide variant.
Coding change: c.1138-9T>C on transcript NM_001382567.1 (MANE Select); 9 bases into the intron before coding-DNA position 1138, T replaced by C.
Molecular consequence: intron variant.
Genome position (GRCh38, 1-based): chr11:4,082,873, T>C. VCF-style: chr11-4082873-T-C. GRCh37 (hg19) VCF-style: chr11-4104103-T-C.
Other names: p.?; c.916-9T>C (NM_001382578.1, NM_001382575.1, NM_001382576.1 and 4 more transcripts); c.649-9T>C (NM_001382580.1, NM_001382581.1); c.1138-9T>C (NM_001382568.1, NM_001277962.2, NM_003156.4 and 1 more transcripts); c.910-9T>C (NM_001382570.1); c.1003-9T>C (NM_001382569.1); c.658-9T>C (NM_001382571.1).
Identifiers: ClinVar variation 258967 (VCV000258967.16), dbSNP rs58461583, ClinGen allele CA5830411.